The following is an entry in ClinVar:

ClinVar aggregate classification (germline): Likely pathogenic (1 of 4 stars; one submission).

Conditions:
Hereditary cancer-predisposing syndrome. Also called: Neoplastic Syndromes, Hereditary; Tumor predisposition; Hereditary Cancer Syndrome; Hereditary neoplastic syndrome. Identifiers: Orphanet 140162, MedGen C0027672, MeSH D009386, MONDO:0015356.

Submission:

Ambry Genetics
Classification: Likely pathogenic for Hereditary cancer-predisposing syndrome. Last evaluated: 2019-06-28. Review status: criteria provided, single submitter. Criteria: Ambry Variant Classification Scheme 2023. Collection method: clinical testing. Allele origin: germline.
Comment: The c.904-1G>T intronic variant results from a G to T substitution one nucleotide upstream from coding exon 9 of the PMS2 gene. This nucleotide position is highly conserved in available vertebrate species. Using the BDGP and ESEfinder splice site prediction tools, this alteration is predicted to abolish the native splice acceptor site; however, direct evidence is unavailable. Alterations that disrupt the canonical splice site are expected to cause aberrant splicing, resulting in an abnormal protein or a transcript that is subject to nonsense-mediated mRNA decay. As such, this alteration is classified as likely pathogenic.

NM_000535.7(PMS2):c.904-1G>T

Gene: PMS2 (PMS1 homolog 2, mismatch repair system component; minus strand). Cytogenetic location: 7p22.1.
Variant type: single nucleotide variant.
Coding change: c.904-1G>T on transcript NM_000535.7 (MANE Select); the canonical splice acceptor site of the intron before coding-DNA position 904, G replaced by T.
Molecular consequence: splice acceptor variant. On other transcripts: intron variant (1).
Genome position (GRCh38, 1-based): chr7:5,992,058, C>A on the plus strand (G>T on the coding strand, the complement: PMS2 is on the minus strand). VCF-style: chr7-5992058-C-A. GRCh37 (hg19) VCF-style: chr7-6031689-C-A.
Other names: c.586-1G>T (NM_001322008.2, NM_001406902.1, NM_001406883.1 and 4 more transcripts); c.595-1G>T (NM_001406881.1, NM_001406879.1, NM_001322015.2 and 6 more transcripts); c.499-1G>T (NM_001406895.1, NM_001322010.2, NM_001322004.2 and 19 more transcripts); c.133-1G>T (NM_001406911.1); c.391-1G>T (NM_001406904.1, NM_001406905.1); c.331-1G>T (NM_001322013.2, NM_001406909.1); c.-30-1G>T (NM_001322012.2, NM_001322011.2); c.568-1G>T (NM_001406885.1); and 8 more.
Identifiers: ClinVar variation 1765581 (VCV001765581.2), dbSNP rs779064342, ClinGen allele CA366743227.
Genomic context (GRCh38, chr7:5,992,058, plus strand): 5'-AACAAATGGATACTGGTGTCGATTATACATGTGGTAGACCTCATTCACGAGTCTGCAGAC[C>A]TGCACAAAATACAAGGAGTAGAAAAGAATAAATGACAAATGTTCCCAGCCCCCCGCATTC-3'